The following is an entry in ClinVar:

ClinVar aggregate classification (germline): Conflicting classifications of pathogenicity. Review status: criteria provided, conflicting classifications (1 of 4 stars). 2 submissions from 2 submitters: Uncertain significance (1); Likely benign (1). Last evaluated 2026-07-06.

Allele frequency attached by ClinVar (database versions not stated): TOPMed below 0.00001; gnomAD exomes 0.00001 and below 0.00001.

Submissions (2):

GeneDx
Classification: Uncertain significance. Last evaluated: 2026-07-06. Review status: criteria provided, single submitter. Criteria: GeneDx Variant Classification Process June 2021. Collection method: clinical testing. Allele origin: germline.
Comment: Not observed at significant frequency in large population cohorts (gnomAD); In silico analysis supports that this missense variant has a deleterious effect on protein structure/function; Has not been previously published as pathogenic or benign to our knowledge

Labcorp Genetics (formerly Invitae), Labcorp
Classification: Likely benign. Last evaluated: 2025-12-01. Review status: criteria provided, single submitter. Criteria: Invitae Variant Classification Sherloc (09022015). Collection method: clinical testing. Allele origin: germline.

NM_001830.4(CLCN4):c.1031T>G (p.Leu344Trp)

Gene: CLCN4 (Cl-/H+ antiporter 4; plus strand). Cytogenetic location: Xp22.2.
Variant type: single nucleotide variant.
Coding change: c.1031T>G on transcript NM_001830.4 (MANE Select); coding-DNA position 1031, T replaced by G.
Protein change: p.Leu344Trp; replaces leucine 344 with tryptophan.
Molecular consequence: missense variant.
Genome position (GRCh38, 1-based): chrX:10,208,232, T>G. VCF-style: chrX-10208232-T-G. GRCh37 (hg19) VCF-style: chrX-10176272-T-G.
Other names: c.1031T>G (NM_001830.3); c.749T>G, p.Leu250Trp (NM_001256944.2); short protein forms L344W, L250W.
Identifiers: ClinVar variation 1429369 (VCV001429369.10), dbSNP rs1569230484, ClinGen allele CA412037699.